The following is an entry in ClinVar:

ClinVar aggregate classification (germline): Uncertain significance (1 of 4 stars; one submission).

Conditions:
Neurodevelopmental disorder with or without hyperkinetic movements and seizures, autosomal dominant. Also called: Intellectual disability, autosomal dominant 8. Identifiers: MedGen C3280282, MONDO:0013655, OMIM 614254.

Submission:

Labcorp Genetics (formerly Invitae), Labcorp
Classification: Uncertain significance for Neurodevelopmental disorder with or without hyperkinetic movements and seizures, autosomal dominant. Last evaluated: 2022-01-04. Review status: criteria provided, single submitter. Criteria: Invitae Variant Classification Sherloc (09022015). Collection method: clinical testing. Allele origin: germline.
Comment: In summary, the available evidence is currently insufficient to determine the role of this variant in disease. Therefore, it has been classified as a Variant of Uncertain Significance. Advanced modeling of protein sequence and biophysical properties (such as structural, functional, and spatial information, amino acid conservation, physicochemical variation, residue mobility, and thermodynamic stability) performed at Invitae indicates that this missense variant is expected to disrupt GRIN1 protein function. This variant has not been reported in the literature in individuals affected with GRIN1-related conditions. This variant is not present in population databases (gnomAD no frequency). This sequence change replaces alanine, which is neutral and non-polar, with glutamic acid, which is acidic and polar, at codon 31 of the GRIN1 protein (p.Ala31Glu).

NM_007327.4(GRIN1):c.92C>A (p.Ala31Glu)

Gene: GRIN1 (glutamate ionotropic receptor NMDA type subunit 1; plus strand). Cytogenetic location: 9q34.3.
Variant type: single nucleotide variant.
Coding change: c.92C>A on transcript NM_007327.4 (MANE Select); coding-DNA position 92, C replaced by A.
Protein change: p.Ala31Glu; replaces alanine 31 with glutamic acid.
Molecular consequence: missense variant.
Genome position (GRCh38, 1-based): chr9:137,139,578, C>A. VCF-style: chr9-137139578-C-A. GRCh37 (hg19) VCF-style: chr9-140034030-C-A.
Other names: c.92C>A, p.Ala31Glu (NM_000832.7, NM_001185090.2, NM_001185091.2 and 1 more transcripts); short protein forms A31E.
Identifiers: ClinVar variation 2074663 (VCV002074663.4), dbSNP rs1832052066, ClinGen allele CA375713116.